The following is an entry in ClinVar:

NM_003242.6(TGFBR2):c.1570G>A (p.Asp524Asn)

Gene: TGFBR2 (transforming growth factor beta receptor 2; plus strand). Cytogenetic location: 3p24.1.
Variant type: single nucleotide variant.
Coding change: c.1570G>A on transcript NM_003242.6 (MANE Select); coding-DNA position 1570, G replaced by A.
Protein change: p.Asp524Asn; replaces aspartic acid 524 with asparagine.
Molecular consequence: missense variant.
Genome position (GRCh38, 1-based): chr3:30,691,465, G>A. VCF-style: chr3-30691465-G-A. GRCh37 (hg19) VCF-style: chr3-30732957-G-A.
Other names: c.1597G>A, p.Asp533Asn (NM_001407128.1); c.1573G>A, p.Asp525Asn (NM_001407129.1); c.1645G>A, p.Asp549Asn (NM_001024847.3); c.1567G>A, p.Asp523Asn (NM_001407130.1); c.1753G>A, p.Asp585Asn (NM_001407126.1); c.1465G>A, p.Asp489Asn (NM_001407132.1, NM_001407133.1, NM_001407134.1 and 2 more transcripts); c.1678G>A, p.Asp560Asn (NM_001407127.1); c.700G>A, p.Asp234Asn (NM_001407139.1); and 2 more; short protein forms D524N, D549N, D404N, D234N, D429N, D523N, D525N, D533N.
Identifiers: ClinVar variation 180541 (VCV000180541.48), dbSNP rs727504421, ClinGen allele CA020712.

ClinVar aggregate classification (germline): Pathogenic/Likely pathogenic. Review status: criteria provided, multiple submitters, no conflicts (2 of 4 stars). 6 submissions from 6 submitters: Pathogenic (5); Likely pathogenic (1). Last evaluated 2025-10-20.

Conditions:
TGFBR2-related disorder. Also called: TGFBR2-related condition.
Familial thoracic aortic aneurysm and aortic dissection (TAAD). Also called: Thoracic aortic aneurysms and dissections. Identifiers: Orphanet 91387, MedGen C4707243, MONDO:0019625.
Marfan syndrome (MFS). Also called: Marfan syndrome type 1; Marfan's syndrome; MARFAN SYNDROME, TYPE I; FBN1-Related Marfan Syndrome; Marfan syndrome, classic. Identifiers: Orphanet 284963, Orphanet 558, MedGen C0024796, MONDO:0007947, OMIM 154700.
Loeys-Dietz syndrome 2 (LDS2). Also called: AORTIC ANEURYSM, FAMILIAL THORACIC 3; MARFAN SYNDROME, TYPE II; Marfan Syndrome type 2; Marfan like connective tissue disorder; MFS 2; Marfan syndrome, type 2 (formerly). Identifiers: Orphanet 284973, Orphanet 558, MedGen C2674574, MONDO:0012427, OMIM 610168.

Submissions (6):

PreventionGenetics, part of Exact Sciences
Classification: Pathogenic for TGFBR2-related condition. Last evaluated: 2025-10-20. Review status: criteria provided, single submitter. Criteria: ACMG Guidelines, 2015. Collection method: clinical testing. Allele origin: germline.
Comment: The TGFBR2 c.1570G>A variant is predicted to result in the amino acid substitution p.Asp524Asn. This variant has been reported in multiple individuals with TGFBR2-related disorders, including at least one de novo case (Loeys et al. 2006. PubMed ID: 16928994; Yetman et al. 2007. PubMed ID: 17470566; Table S1, Jondeau et al. 2016. PubMed ID: 27879313; Extramiana et al. 2018. PubMed ID: 30158670; Table S1, Schmidt et al. 2024. PubMed ID: 39039281). This variant has not been reported in a large population database (gnomAD), indicating this variant is rare. This variant is interpreted as pathogenic.

Labcorp Genetics (formerly Invitae), Labcorp
Classification: Pathogenic for Familial thoracic aortic aneurysm and aortic dissection. Last evaluated: 2024-12-23. Review status: criteria provided, single submitter. Criteria: Invitae Variant Classification Sherloc (09022015). Collection method: clinical testing. Allele origin: germline.
Comment: This sequence change replaces aspartic acid, which is acidic and polar, with asparagine, which is neutral and polar, at codon 524 of the TGFBR2 protein (p.Asp524Asn). This variant is not present in population databases (gnomAD no frequency). This missense change has been observed in individual(s) with clinical features of TGFBR2-related conditions (PMID: 16928994, 17470566, 30158670; internal data). In at least one individual the variant was observed to be de novo. ClinVar contains an entry for this variant (Variation ID: 180541). Invitae Evidence Modeling incorporating data from in vitro experimental studies (internal data) indicates that this missense variant is expected to disrupt TGFBR2 function with a positive predictive value of 95%. For these reasons, this variant has been classified as Pathogenic.

CeGaT Center for Human Genetics Tuebingen
Classification: Likely pathogenic. Last evaluated: 2022-06-01. Review status: criteria provided, single submitter. Criteria: CeGaT Center For Human Genetics Tuebingen Variant Classification Criteria Version 2. Collection method: clinical testing. Allele origin: germline. Affected: yes. Observed: 1 variant allele.
Comment: TGFBR2: PM1, PM2, PM5, PP3, PP4, PS4:Supporting

GeneDx
Classification: Pathogenic. Last evaluated: 2022-01-10. Review status: criteria provided, single submitter. Criteria: GeneDx Variant Classification Process June 2021. Collection method: clinical testing. Allele origin: germline. Affected: yes.
Comment: In silico analysis supports that this missense variant has a deleterious effect on protein structure/function; Not observed in large population cohorts (gnomAD); This variant is associated with the following publications: (PMID: 17470566, 27879313, 30158670, 16928994)

Institute of Human Genetics Munich, TUM University Hospital
Classification: Pathogenic for Loeys-Dietz syndrome 2. Last evaluated: 2019-10-18. Review status: criteria provided, single submitter. Criteria: Classification criteria August 2017. Collection method: clinical testing. Allele origin: germline. Inheritance: Autosomal dominant inheritance. Affected: yes. Observed: 1 heterozygote.

Mendelics
Classification: Pathogenic for Marfan syndrome. Last evaluated: 2019-05-28. Review status: criteria provided, single submitter. Criteria: Mendelics Assertion Criteria 2017. Collection method: clinical testing. Allele origin: unknown.

Literature cited by the submitters: PubMed 16928994 (cited by Labcorp Genetics (formerly Invitae), Labcorp); PubMed 17470566 (cited by Labcorp Genetics (formerly Invitae), Labcorp); PubMed 30158670 (cited by Labcorp Genetics (formerly Invitae), Labcorp).